The following is an entry in ClinVar:

ClinVar aggregate classification (germline): Uncertain significance (1 of 4 stars; one submission).

gnomAD v4.1: 1 of 1,433,242 alleles (0.00007%); highest among the groups gnomAD compares: Non-Finnish European, 0.000091%; no homozygotes.

Submission:

Labcorp Genetics (formerly Invitae), Labcorp
Classification: Uncertain significance. Last evaluated: 2025-05-22. Review status: criteria provided, single submitter. Criteria: Invitae Variant Classification Sherloc (09022015). Collection method: clinical testing. Allele origin: germline.
Comment: This sequence change replaces leucine, which is neutral and non-polar, with proline, which is neutral and non-polar, at codon 8 of the AFG3L2 protein (p.Leu8Pro). This variant is not present in population databases (gnomAD no frequency). This variant has not been reported in the literature in individuals affected with AFG3L2-related conditions. Invitae Evidence Modeling of protein sequence and biophysical properties (such as structural, functional, and spatial information, amino acid conservation, physicochemical variation, residue mobility, and thermodynamic stability) indicates that this missense variant is not expected to disrupt AFG3L2 protein function with a negative predictive value of 95%. In summary, the available evidence is currently insufficient to determine the role of this variant in disease. Therefore, it has been classified as a Variant of Uncertain Significance.

NM_006796.3(AFG3L2):c.23T>C (p.Leu8Pro)

Gene: AFG3L2 (AFG3 like matrix AAA peptidase subunit 2; minus strand). Cytogenetic location: 18p11.21.
Variant type: single nucleotide variant.
Coding change: c.23T>C on transcript NM_006796.3 (MANE Select); coding-DNA position 23, T replaced by C.
Protein change: p.Leu8Pro; replaces leucine 8 with proline.
Molecular consequence: missense variant.
Genome position (GRCh38, 1-based): chr18:12,377,060, A>G on the plus strand (T>C on the coding strand, the complement: AFG3L2 is on the minus strand). VCF-style: chr18-12377060-A-G. GRCh37 (hg19) VCF-style: chr18-12377059-A-G.
Other names: short protein forms L8P.
Identifiers: ClinVar variation 4802996 (VCV004802996.1).